The following is an entry in ClinVar:

ClinVar aggregate classification (germline): Uncertain significance (1 of 4 stars; one submission).

Conditions:
Emery-Dreifuss muscular dystrophy 4, autosomal dominant (EDMD4). Also called: EMERY-DREIFUSS MUSCULAR DYSTROPHY 4 WITH VARIABLE FEATURES. Identifiers: Orphanet 261, MedGen C2751807, MONDO:0013071, OMIM 612998.
Autosomal recessive ataxia, Beauce type. Also called: Spinocerebellar ataxia, autosomal recessive 8; ATAXIA, RECESSIVE, OF BEAUCE; SYNE1 Deficiency; SYNE1-Related Autosomal Recessive Cerebellar Ataxia. Identifiers: Orphanet 88644, MedGen C1853116, MONDO:0012549, OMIM 610743.

Allele frequency attached by ClinVar (database versions not stated): gnomAD exomes below 0.00001; gnomAD 0.00001; TOPMed 0.00001.
gnomAD v4.1: 3 of 1,614,010 alleles (0.00019%); highest among the groups gnomAD compares: Non-Finnish European, 0.00017%; no homozygotes.

Submission:

Labcorp Genetics (formerly Invitae), Labcorp
Classification: Uncertain significance for Emery-Dreifuss muscular dystrophy 4, autosomal dominant; Autosomal recessive ataxia, Beauce type. Last evaluated: 2022-06-14. Review status: criteria provided, single submitter. Criteria: Invitae Variant Classification Sherloc (09022015). Collection method: clinical testing. Allele origin: germline.
Comment: This variant is not present in population databases (gnomAD no frequency). This sequence change replaces glutamine, which is neutral and polar, with arginine, which is basic and polar, at codon 1951 of the SYNE1 protein (p.Gln1951Arg). This variant has not been reported in the literature in individuals affected with SYNE1-related conditions. Algorithms developed to predict the effect of missense changes on protein structure and function are either unavailable or do not agree on the potential impact of this missense change (SIFT: "Deleterious"; PolyPhen-2: "Benign"; Align-GVGD: "Class C0"). In summary, the available evidence is currently insufficient to determine the role of this variant in disease. Therefore, it has been classified as a Variant of Uncertain Significance.

NM_182961.4(SYNE1):c.5831A>G (p.Gln1944Arg)

Gene: SYNE1 (spectrin repeat containing nuclear envelope protein 1; minus strand). Cytogenetic location: 6q25.2.
Variant type: single nucleotide variant.
Coding change: c.5831A>G on transcript NM_182961.4 (MANE Select); coding-DNA position 5831, A replaced by G.
Protein change: p.Gln1944Arg; replaces glutamine 1944 with arginine.
Molecular consequence: missense variant.
Genome position (GRCh38, 1-based): chr6:152,416,606, T>C on the plus strand (A>G on the coding strand, the complement: SYNE1 is on the minus strand). VCF-style: chr6-152416606-T-C. GRCh37 (hg19) VCF-style: chr6-152737741-T-C.
Other names: c.5852A>G, p.Gln1951Arg (NM_033071.5); short protein forms Q1944R, Q1951R.
Identifiers: ClinVar variation 1415325 (VCV001415325.8), dbSNP rs1483236627, ClinGen allele CA366131958.